The following is an entry in ClinVar:

ClinVar aggregate classification (germline): Uncertain significance (1 of 4 stars; one submission).

Submission:

Labcorp Genetics (formerly Invitae), Labcorp
Classification: Uncertain significance. Last evaluated: 2022-04-22. Review status: criteria provided, single submitter. Criteria: Invitae Variant Classification Sherloc (09022015). Collection method: clinical testing. Allele origin: germline.
Comment: In summary, the available evidence is currently insufficient to determine the role of this variant in disease. Therefore, it has been classified as a Variant of Uncertain Significance. Algorithms developed to predict the effect of missense changes on protein structure and function output the following: SIFT: "Not Available"; PolyPhen-2: "Benign"; Align-GVGD: "Not Available". The isoleucine amino acid residue is found in multiple mammalian species, which suggests that this missense change does not adversely affect protein function. This sequence change replaces methionine, which is neutral and non-polar, with isoleucine, which is neutral and non-polar, at codon 292 of the GATAD2B protein (p.Met292Ile). This variant is not present in population databases (gnomAD no frequency). This variant has not been reported in the literature in individuals affected with GATAD2B-related conditions.

NM_020699.4(GATAD2B):c.876G>A (p.Met292Ile)

Gene: GATAD2B (GATA zinc finger domain containing 2B; minus strand). Cytogenetic location: 1q21.3.
Variant type: single nucleotide variant.
Coding change: c.876G>A on transcript NM_020699.4 (MANE Select); coding-DNA position 876, G replaced by A.
Protein change: p.Met292Ile; replaces methionine 292 with isoleucine.
Molecular consequence: missense variant.
Genome position (GRCh38, 1-based): chr1:153,817,396, C>T on the plus strand (G>A on the coding strand, the complement: GATAD2B is on the minus strand). VCF-style: chr1-153817396-C-T. GRCh37 (hg19) VCF-style: chr1-153789872-C-T.
Other names: short protein forms M292I.
Identifiers: ClinVar variation 2129312 (VCV002129312.4), dbSNP rs2525252278, ClinGen allele CA342529735.
Genomic context (GRCh38, chr1:153,817,396, plus strand): 5'-TCTCTGTTTCCACATTAGGGCTCAGCTCTCTCTTACCGGTTGATAATTGATGGCGGGATT[C>T]ATGTTGGGTGTTGTGGTGCGTACAAGGCCAGGCTTAGGCGGGCCCCGCTGACCCTGTAGC-3'
Protein context (NP_065750.1, residues 282-302): PGLVRTTTPN[Met292Ile]NPAINYQPQS